The following is an entry in ClinVar:

ClinVar aggregate classification (germline): Uncertain significance. Review status: criteria provided, multiple submitters, no conflicts (2 of 4 stars). 3 submissions from 3 submitters: Uncertain significance (3). Last evaluated 2022-10-13.

Conditions:
Inborn genetic diseases. Identifiers: MedGen C0950123, MeSH D030342.

Allele frequency attached by ClinVar (database versions not stated): gnomAD exomes 0.00006 and 0.00008; TOPMed 0.00006; ExAC 0.00007; gnomAD 0.00007 and 0.00008; ESP Exome Variant Server 0.00009.
gnomAD v4.1: 91 of 1,502,472 alleles (0.0061%); highest among the groups gnomAD compares: Non-Finnish European, 0.0077%; no homozygotes.

Submissions (3):

Labcorp Genetics (formerly Invitae), Labcorp
Classification: Uncertain significance. Last evaluated: 2022-10-13. Review status: criteria provided, single submitter. Criteria: Invitae Variant Classification Sherloc (09022015). Collection method: clinical testing. Allele origin: germline.
Comment: This sequence change replaces methionine, which is neutral and non-polar, with valine, which is neutral and non-polar, at codon 961 of the RTTN protein (p.Met961Val). This variant is present in population databases (rs371633774, gnomAD 0.01%). This variant has not been reported in the literature in individuals affected with RTTN-related conditions. ClinVar contains an entry for this variant (Variation ID: 212081). Advanced modeling of protein sequence and biophysical properties (such as structural, functional, and spatial information, amino acid conservation, physicochemical variation, residue mobility, and thermodynamic stability) performed at Invitae indicates that this missense variant is not expected to disrupt RTTN protein function. Algorithms developed to predict the effect of sequence changes on RNA splicing suggest that this variant may disrupt the consensus splice site. In summary, the available evidence is currently insufficient to determine the role of this variant in disease. Therefore, it has been classified as a Variant of Uncertain Significance.

Ambry Genetics
Classification: Uncertain significance for Inborn genetic diseases. Last evaluated: 2021-12-13. Review status: criteria provided, single submitter. Criteria: Ambry Variant Classification Scheme 2023. Collection method: clinical testing. Allele origin: germline.

Genetic Services Laboratory, University of Chicago
Classification: Uncertain significance. Last evaluated: 2015-06-23. Review status: criteria provided, single submitter. Criteria: ACMG Guidelines, 2015. Collection method: clinical testing. Allele origin: germline.

NM_173630.4(RTTN):c.2881A>G (p.Met961Val)

Gene: RTTN (rotatin; minus strand). Cytogenetic location: 18q22.2.
Variant type: single nucleotide variant.
Coding change: c.2881A>G on transcript NM_173630.4 (MANE Select); coding-DNA position 2881, A replaced by G.
Protein change: p.Met961Val; replaces methionine 961 with valine.
Molecular consequence: missense variant.
Genome position (GRCh38, 1-based): chr18:70,135,188, T>C on the plus strand (A>G on the coding strand, the complement: RTTN is on the minus strand). VCF-style: chr18-70135188-T-C. GRCh37 (hg19) VCF-style: chr18-67802424-T-C.
Other names: c.145A>G, p.Met49Val (NM_001318520.2); short protein forms M961V, M49V.
Identifiers: ClinVar variation 212081 (VCV000212081.11), dbSNP rs371633774, ClinGen allele CA206062.